The following is an entry in ClinVar:

ClinVar aggregate classification (germline): Uncertain significance (1 of 4 stars; one submission).

Submission:

GeneDx
Classification: Uncertain significance. Last evaluated: 2025-06-17. Review status: criteria provided, single submitter. Criteria: GeneDx Variant Classification Process June 2021. Collection method: clinical testing. Allele origin: germline. Affected: yes.
Comment: Not observed at significant frequency in large population cohorts (gnomAD); In silico analysis supports that this missense variant has a deleterious effect on protein structure/function; Has not been previously published as pathogenic or benign to our knowledge

NM_003601.4(SMARCA5):c.1588G>C (p.Asp530His)

Gene: SMARCA5 (SNF2 related chromatin remodeling ATPase 5; plus strand). Cytogenetic location: 4q31.21.
Variant type: single nucleotide variant.
Coding change: c.1588G>C on transcript NM_003601.4 (MANE Select); coding-DNA position 1588, G replaced by C.
Protein change: p.Asp530His; replaces aspartic acid 530 with histidine.
Molecular consequence: missense variant.
Genome position (GRCh38, 1-based): chr4:143,538,682, G>C. VCF-style: chr4-143538682-G-C. GRCh37 (hg19) VCF-style: chr4-144459835-G-C.
Other names: short protein forms D530H.
Identifiers: ClinVar variation 4538901 (VCV004538901.1).